The following is an entry in ClinVar:

ClinVar aggregate classification (germline): Conflicting classifications of pathogenicity. Review status: criteria provided, conflicting classifications (1 of 4 stars). 2 submissions from 2 submitters: Uncertain significance (1); Likely benign (1). Last evaluated 2026-01-16.

Conditions:
Hereditary cancer-predisposing syndrome. Also called: Hereditary Cancer Syndrome; Neoplastic Syndromes, Hereditary; Tumor predisposition; Hereditary neoplastic syndrome. Identifiers: Orphanet 140162, MedGen C0027672, MeSH D009386, MONDO:0015356.

gnomAD v4.1: 5 of 1,613,282 alleles (0.00031%); highest among the groups gnomAD compares: Admixed American, 0.0033%; no homozygotes.

Submissions (2):

Labcorp Genetics (formerly Invitae), Labcorp
Classification: Uncertain significance. Last evaluated: 2026-01-16. Review status: criteria provided, single submitter. Criteria: Invitae Variant Classification Sherloc (09022015). Collection method: clinical testing. Allele origin: germline.
Comment: This sequence change replaces serine, which is neutral and polar, with glycine, which is neutral and non-polar, at codon 1598 of the POLE protein (p.Ser1598Gly). This variant is present in population databases (rs776538943, gnomAD 0.006%). This variant has not been reported in the literature in individuals affected with POLE-related conditions. ClinVar contains an entry for this variant (Variation ID: 1024731). Invitae Evidence Modeling of protein sequence and biophysical properties (such as structural, functional, and spatial information, amino acid conservation, physicochemical variation, residue mobility, and thermodynamic stability) indicates that this missense variant is not expected to disrupt POLE protein function with a negative predictive value of 80%. In summary, the available evidence is currently insufficient to determine the role of this variant in disease. Therefore, it has been classified as a Variant of Uncertain Significance.

Ambry Genetics
Classification: Likely benign for Hereditary cancer-predisposing syndrome. Last evaluated: 2021-06-30. Review status: criteria provided, single submitter. Criteria: Ambry Variant Classification Scheme 2023. Collection method: clinical testing. Allele origin: germline.

NM_006231.4(POLE):c.4792A>G (p.Ser1598Gly)

Gene: POLE (DNA polymerase epsilon, catalytic subunit; minus strand). Cytogenetic location: 12q24.33.
Variant type: single nucleotide variant.
Coding change: c.4792A>G on transcript NM_006231.4 (MANE Select); coding-DNA position 4792, A replaced by G.
Protein change: p.Ser1598Gly; replaces serine 1598 with glycine.
Molecular consequence: missense variant.
Genome position (GRCh38, 1-based): chr12:132,642,666, T>C on the plus strand (A>G on the coding strand, the complement: POLE is on the minus strand). VCF-style: chr12-132642666-T-C. GRCh37 (hg19) VCF-style: chr12-133219252-T-C.
Other names: short protein forms S1598G.
Identifiers: ClinVar variation 1024731 (VCV001024731.11), dbSNP rs776538943, ClinGen allele CA6892710.